The following is an entry in ClinVar:

ClinVar aggregate classification (germline): Uncertain significance (1 of 4 stars; one submission).

Conditions:
Multiple endocrine neoplasia, type 1 (MEN1). Also called: MEA I; MEN I; WERMER SYNDROME; Endocrine adenomatosis multiple; MEN 1. Identifiers: Orphanet 652, MedGen C0025267, MeSH D018761, MONDO:0007540, OMIM 131100.

gnomAD v4.1: 1 of 1,614,166 alleles (0.000062%); highest among the groups gnomAD compares: South Asian, 0.0011%; no homozygotes.

Submission:

Labcorp Genetics (formerly Invitae), Labcorp
Classification: Uncertain significance for Multiple endocrine neoplasia, type 1. Last evaluated: 2025-03-12. Review status: criteria provided, single submitter. Criteria: Invitae Variant Classification Sherloc (09022015). Collection method: clinical testing. Allele origin: germline.
Comment: This sequence change replaces arginine, which is basic and polar, with glycine, which is neutral and non-polar, at codon 229 of the MEN1 protein (p.Arg229Gly). This variant is not present in population databases (gnomAD no frequency). This variant has not been reported in the literature in individuals affected with MEN1-related conditions. Invitae Evidence Modeling of protein sequence and biophysical properties (such as structural, functional, and spatial information, amino acid conservation, physicochemical variation, residue mobility, and thermodynamic stability) indicates that this missense variant is not expected to disrupt MEN1 protein function with a negative predictive value of 80%. In summary, the available evidence is currently insufficient to determine the role of this variant in disease. Therefore, it has been classified as a Variant of Uncertain Significance.

NM_001370259.2(MEN1):c.685C>G (p.Arg229Gly)

Gene: MEN1 (menin 1; minus strand). Cytogenetic location: 11q13.1.
Variant type: single nucleotide variant.
Coding change: c.685C>G on transcript NM_001370259.2 (MANE Select); coding-DNA position 685, C replaced by G.
Protein change: p.Arg229Gly; replaces arginine 229 with glycine.
Molecular consequence: missense variant. On other transcripts: non-coding transcript variant (4).
Genome position (GRCh38, 1-based): chr11:64,807,650, G>C on the plus strand (C>G on the coding strand, the complement: MEN1 is on the minus strand). VCF-style: chr11-64807650-G-C. GRCh37 (hg19) VCF-style: chr11-64575122-G-C.
Other names: c.700C>G, p.Arg234Gly (NM_000244.4, NM_130800.3, NM_130801.3 and 5 more transcripts); c.685C>G, p.Arg229Gly (NM_001370251.2, NM_001370260.2, NM_001370261.2 and 7 more transcripts); c.580C>G, p.Arg194Gly (NM_001370262.2, NM_001370263.2, NM_001407148.1 and 2 more transcripts); short protein forms R194G, R229G, R234G.
Identifiers: ClinVar variation 4800427 (VCV004800427.1).